The following is an entry in ClinVar:

ClinVar aggregate classification (germline): Pathogenic. Review status: criteria provided, multiple submitters, no conflicts (2 of 4 stars). 4 submissions from 4 submitters: Pathogenic (4). Last evaluated 2026-03-28.

Conditions:
PIK3CA constitutional syndrome.
Cowden syndrome (CS). Also called: Cowden's disease; Cowden's syndrome; Cowden disease. Identifiers: Orphanet 201, MedGen C0018553, MONDO:0016063. Disease mechanism: gain of function.

Submissions (4):

Laboratoire de Cytogenomique, Chu Angers
Classification: Pathogenic for PIK3CA constitutional syndrome. Last evaluated: 2026-03-28. Review status: criteria provided, single submitter. Criteria: ACMG Guidelines, 2015. Collection method: clinical testing. Allele origin: de novo. Affected: yes. Observed: 1 variant allele.
Comment: The PIK3CA NM_006218.4:c.3131A>G (p.Asn1044Ser) variant is a missense variant affecting the kinase domain of the p110α protein, a critical region involved in catalytic activity (PM1, PP2). This variant is absent from population databases (gnomAD v4) (PM2). Additional features included flat glabellar hemangioma, polyhydramnios, and multiple structural brain abnormalities (flattened pituitary gland, dilatation of the optic nerve sheaths, mild enlargement of the septum pellucidum cavity), as well as a congenital left megaureter. This phenotype is consistent with PIK3CA-related disorders (PP4). Functional studies performed on patient-derived fibroblasts demonstrated increased AKT phosphorylation and enhanced cellular proliferation compared to controls, supporting a gain-of-function effect consistent with pathogenic PIK3CA variants (PS3). This variant has previously been submitted to ClinVar as pathogenic in a constitutional context (SCV002568843.1), supporting its clinical significance (PP5_very_strong). In summary, this variant is classified as pathogenic according to ACMG/AMP criteria: PS2, PS3, PM1, PM2, PP2, PP5_very_strong.

Labcorp Genetics (formerly Invitae), Labcorp
Classification: Pathogenic for Cowden syndrome. Last evaluated: 2022-01-17. Review status: criteria provided, single submitter. Criteria: Invitae Variant Classification Sherloc (09022015). Collection method: clinical testing. Allele origin: germline.
Comment: For these reasons, this variant has been classified as Pathogenic. Advanced modeling of protein sequence and biophysical properties (such as structural, functional, and spatial information, amino acid conservation, physicochemical variation, residue mobility, and thermodynamic stability) performed at Invitae indicates that this missense variant is expected to disrupt PIK3CA protein function. ClinVar contains an entry for this variant (Variation ID: 419390). This missense change has been observed in individual(s) with PIK3CA-related overgrowth spectrum (Invitae). In at least one individual the variant was observed to be de novo. This variant is not present in population databases (gnomAD no frequency). This sequence change replaces asparagine, which is neutral and polar, with serine, which is neutral and polar, at codon 1044 of the PIK3CA protein (p.Asn1044Ser).

GeneDx
Classification: Pathogenic. Last evaluated: 2015-07-20. Review status: criteria provided, single submitter. Criteria: GeneDx Variant Classification (06012015). Collection method: clinical testing. Allele origin: germline. Affected: yes.
Comment: The N1044S substitution in the PIK3CA gene has not been reported previously as a pathogenic variantnor as a benign polymorphism, to our knowledge. The N1044S variant was not observed in approximately6000 individuals of European and African American ancestry in the NHLBI Exome Sequencing Project,indicating it is not a common benign variant in these populations. The N1044S variant is a conservativeamino acid substitution and occurs at a position that is conserved across species. In silico analysis isinconsistent in its predictions as to whether or not the variant is damaging to the proteinstructure/function. Missense variants in nearby residues (A1035V, M1043I, H1047Y, G1049S) havebeen reported in the Human Gene Mutation Database in association with megalencephaly-capillarymalformation (Stenson et al., 2014), supporting the functional importance of this region of the protein. Weinterpret N1044S as a pathogenic variant.

Laboratoire de Génétique Moléculaire, CHU Bordeaux
Classification: Pathogenic. Review status: criteria provided, single submitter. Criteria: ACMG Guidelines, 2015. Collection method: clinical testing. Allele origin: germline. Affected: yes.

NM_006218.4(PIK3CA):c.3131A>G (p.Asn1044Ser)

Gene: PIK3CA (phosphatidylinositol-4,5-bisphosphate 3-kinase catalytic subunit alpha; plus strand). Cytogenetic location: 3q26.32.
Variant type: single nucleotide variant.
Coding change: c.3131A>G on transcript NM_006218.4 (MANE Select); coding-DNA position 3131, A replaced by G.
Protein change: p.Asn1044Ser; replaces asparagine 1044 with serine.
Molecular consequence: missense variant.
Genome position (GRCh38, 1-based): chr3:179,234,288, A>G. VCF-style: chr3-179234288-A-G. GRCh37 (hg19) VCF-style: chr3-178952076-A-G.
Other names: c.3131A>G (LRG_310t1); short protein forms N1044S.
Identifiers: ClinVar variation 419390 (VCV000419390.10), dbSNP rs1064793838, ClinGen allele CA16617853.